The following is an entry in ClinVar:

ClinVar aggregate classification (germline): Uncertain significance (1 of 4 stars; one submission).

Allele frequency attached by ClinVar (database versions not stated): gnomAD 0.00002; TOPMed 0.00002; ESP Exome Variant Server 0.00008.
gnomAD v4.1: 12 of 1,614,080 alleles (0.00074%); highest among the groups gnomAD compares: Admixed American, 0.0017%; no homozygotes.

Submission:

Labcorp Genetics (formerly Invitae), Labcorp
Classification: Uncertain significance. Last evaluated: 2024-06-19. Review status: criteria provided, single submitter. Criteria: Invitae Variant Classification Sherloc (09022015). Collection method: clinical testing. Allele origin: germline.
Comment: This sequence change replaces arginine, which is basic and polar, with tryptophan, which is neutral and slightly polar, at codon 989 of the TCF20 protein (p.Arg989Trp). The frequency data for this variant in the population databases is considered unreliable, as metrics indicate poor data quality at this position in the gnomAD database. This variant has not been reported in the literature in individuals affected with TCF20-related conditions. ClinVar contains an entry for this variant (Variation ID: 2106895). An algorithm developed to predict the effect of missense changes on protein structure and function (PolyPhen-2) suggests that this variant is likely to be disruptive. In summary, the available evidence is currently insufficient to determine the role of this variant in disease. Therefore, it has been classified as a Variant of Uncertain Significance.

NM_001378418.1(TCF20):c.2965C>T (p.Arg989Trp)

Gene: TCF20 (transcription factor 20; minus strand). Cytogenetic location: 22q13.2.
Variant type: single nucleotide variant.
Coding change: c.2965C>T on transcript NM_001378418.1 (MANE Select); coding-DNA position 2965, C replaced by T.
Protein change: p.Arg989Trp; replaces arginine 989 with tryptophan.
Molecular consequence: missense variant.
Genome position (GRCh38, 1-based): chr22:42,212,341, G>A on the plus strand (C>T on the coding strand, the complement: TCF20 is on the minus strand). VCF-style: chr22-42212341-G-A. GRCh37 (hg19) VCF-style: chr22-42608347-G-A.
Other names: c.2965C>T, p.Arg989Trp (NM_005650.4, NM_181492.3); short protein forms R989W.
Identifiers: ClinVar variation 2106895 (VCV002106895.4), dbSNP rs146661580, ClinGen allele CA324700585.